The following is an entry in ClinVar:

ClinVar aggregate classification (germline): Uncertain significance (1 of 4 stars; one submission).

Submission:

Quest Diagnostics Nichols Institute San Juan Capistrano
Classification: Uncertain significance. Last evaluated: 2022-12-22. Review status: criteria provided, single submitter. Criteria: Quest Diagnostics criteria. Collection method: clinical testing. Allele origin: unknown.
Comment: To the best of our knowledge, the variant has not been reported in the published literature. It also has not been reported in large, multi-ethnic general populations. Based on the available information, we are unable to determine the clinical significance of this variant.

NM_000518.5(HBB):c.316-113_316-103del

Genes: HBB (hemoglobin subunit beta; minus strand), LOC107133510 (origin of replication at HBB; plus strand), LOC110006319 (beta-globin gene 3' regulatory region; plus strand). Cytogenetic location: 11p15.4.
Variant type: Deletion.
Coding change: c.316-113_316-103del on transcript NM_000518.5 (MANE Select); 113 bases into the intron before coding-DNA position 316 through 103 bases into the intron before coding-DNA position 316, 11 bases deleted (AATCCAGCTAC).
Molecular consequence: intron variant.
Genome position (GRCh38, 1-based): chr11:5,225,829-5,225,839, GTAGCTGGATT deleted on the plus strand (AATCCAGCTAC on the coding strand, the reverse complement: HBB is on the minus strand); deleting any 11 consecutive bases within chr11:5,225,829-5,225,846 gives the same sequence; the c. name uses the placement nearest the transcript's 3' end. VCF-style (leftmost placement, unchanged base first): chr11-5225828-GGTAGCTGGATT-G. GRCh37 (hg19) VCF-style: chr11-5247058-GGTAGCTGGATT-G.
Identifiers: ClinVar variation 993075 (VCV000993075.3), dbSNP rs1489533338, ClinGen allele CA677552557.